The following is an entry in ClinVar:

NM_004183.4(BEST1):c.1555A>C (p.Ser519Arg)

Gene: BEST1 (bestrophin 1; plus strand). Cytogenetic location: 11q12.3.
Variant type: single nucleotide variant.
Coding change: c.1555A>C on transcript NM_004183.4 (MANE Select); coding-DNA position 1555, A replaced by C.
Protein change: p.Ser519Arg; replaces serine 519 with arginine.
Molecular consequence: missense variant. On other transcripts: non-coding transcript variant (1).
Genome position (GRCh38, 1-based): chr11:61,962,709, A>C. VCF-style: chr11-61962709-A-C. GRCh37 (hg19) VCF-style: chr11-61730181-A-C.
Other names: c.1375A>C, p.Ser459Arg (NM_001139443.3, NM_001300787.2); c.1294A>C, p.Ser432Arg (NM_001300786.2); c.1237A>C, p.Ser413Arg (NM_001363591.3); c.*450A>C (NM_001363592.2); c.583A>C, p.Ser195Arg (NM_001363593.3); c.1555A>C (NM_004183.3); short protein forms S195R, S459R, S432R, S519R, S413R.
Identifiers: ClinVar variation 2722312 (VCV002722312.4), dbSNP rs1465126877, ClinGen allele CA380849569.
Genomic context (GRCh38, chr11:61,962,709, plus strand): 5'-GACAAAAGCTTAAAGACTGTGAGTTCTGGGGCCAAGAAAAGTTTTGAATTGCTCTCAGAG[A>C]GCGATGGGGCCTTGATGGAGCACCCAGAAGTATCTCAAGTGAGGAGGAAAACTGTGGAGT-3'
Protein context (NP_004174.1, residues 509-529): AKKSFELLSE[Ser519Arg]DGALMEHPEV

ClinVar aggregate classification (germline): Uncertain significance. Review status: criteria provided, multiple submitters, no conflicts (2 of 4 stars). 2 submissions from 2 submitters: Uncertain significance (2). Last evaluated 2025-10-07.

Conditions:
BEST1-related disorder. Also called: BEST1-related disorders; BEST1-related condition. Identifiers: MedGen CN239200.

Allele frequency attached by ClinVar (database versions not stated): gnomAD exomes 0.00001.
gnomAD v4.1: 6 of 1,614,218 alleles (0.00037%); highest among the groups gnomAD compares: Admixed American, 0.0033%; no homozygotes.

Submissions (2):

PreventionGenetics, part of Exact Sciences
Classification: Uncertain significance for BEST1-related condition. Last evaluated: 2025-10-07. Review status: criteria provided, single submitter. Criteria: ACMG Guidelines, 2015. Collection method: clinical testing. Allele origin: germline.
Comment: The BEST1 c.1555A>C variant is predicted to result in the amino acid substitution p.Ser519Arg. To our knowledge, this variant has not been reported in the literature. This variant is present in 0.0058% of alleles in individuals of Latino descent in gnomAD. At this time, the clinical significance of this variant is uncertain due to the absence of conclusive functional and genetic evidence.

Labcorp Genetics (formerly Invitae), Labcorp
Classification: Uncertain significance. Last evaluated: 2025-04-08. Review status: criteria provided, single submitter. Criteria: Invitae Variant Classification Sherloc (09022015). Collection method: clinical testing. Allele origin: germline.
Comment: This sequence change replaces serine, which is neutral and polar, with arginine, which is basic and polar, at codon 519 of the BEST1 protein (p.Ser519Arg). This variant is present in population databases (no rsID available, gnomAD 0.006%). This variant has not been reported in the literature in individuals affected with BEST1-related conditions. ClinVar contains an entry for this variant (Variation ID: 2722312). An algorithm developed to predict the effect of missense changes on protein structure and function outputs the following: PolyPhen-2: "Benign". The arginine amino acid residue is found in multiple mammalian species, which suggests that this missense change does not adversely affect protein function. In summary, the available evidence is currently insufficient to determine the role of this variant in disease. Therefore, it has been classified as a Variant of Uncertain Significance.